The following is an entry in ClinVar:

ClinVar aggregate classification (germline): Conflicting classifications of pathogenicity. Review status: criteria provided, conflicting classifications (1 of 4 stars). 6 submissions from 6 submitters: Uncertain significance (1); Benign (1); Likely benign (3). 1 of the submissions does not count toward it. Last evaluated 2026-01-17.

Conditions:
Inborn genetic diseases. Identifiers: MedGen C0950123, MeSH D030342.
Neuronal ceroid lipofuscinosis. Also called: Neuronal Ceroid Lipofuscinoses. Identifiers: Orphanet 216, Orphanet 79263, MedGen C0027877, MONDO:0016295. Disease mechanism: loss of function.

Allele frequency attached by ClinVar (database versions not stated): gnomAD below 0.00001 and 0.00002; TOPMed 0.00002; gnomAD exomes 0.00010 and 0.00017; 1000 Genomes Project 30x 0.00016; ExAC 0.00016; 1000 Genomes Project 0.00020.
gnomAD v4.1: 146 of 1,614,248 alleles (0.009%); highest among the groups gnomAD compares: South Asian, 0.16%; 4 homozygotes.

Submissions (6):

Labcorp Genetics (formerly Invitae), Labcorp
Classification: Benign for Neuronal ceroid lipofuscinosis. Last evaluated: 2026-01-17. Review status: criteria provided, single submitter. Criteria: Invitae Variant Classification Sherloc (09022015). Collection method: clinical testing. Allele origin: germline.

Blueprint Genetics
Classification: Likely benign. Last evaluated: 2024-11-05. Review status: criteria provided, single submitter. Criteria: ACMG Guidelines, 2015. Collection method: clinical testing. Allele origin: germline.

Ambry Genetics
Classification: Likely benign for Inborn genetic diseases. Last evaluated: 2018-01-22. Review status: criteria provided, single submitter. Criteria: Ambry Variant Classification Scheme 2023. Collection method: clinical testing. Allele origin: germline.

GeneDx
Classification: Likely benign. Last evaluated: 2016-03-03. Review status: criteria provided, single submitter. Criteria: GeneDx Variant Classification (06012015). Collection method: clinical testing. Allele origin: germline. Affected: yes.
Comment: This variant is considered likely benign or benign based on one or more of the following criteria: it is a conservative change, it occurs at a poorly conserved position in the protein, it is predicted to be benign by multiple in silico algorithms, and/or has population frequency not consistent with disease.

Eurofins Ntd Llc (ga)
Classification: Uncertain significance. Last evaluated: 2015-07-31. Review status: criteria provided, single submitter. Criteria: EGL Classification Definitions 2015. Collection method: clinical testing. Allele origin: germline. Observed: 1 variant allele, 1 heterozygote.

Natera, Inc.
Classification: Uncertain significance for Neuronal ceroid lipofuscinosis. Last evaluated: 2020-01-24. Review status: no assertion criteria provided. Collection method: clinical testing. Allele origin: germline. Not counted in ClinVar's aggregate classification.

NM_018941.4(CLN8):c.648C>T (p.Phe216=)

Gene: CLN8 (CLN8 transmembrane ER and ERGIC protein; plus strand). Cytogenetic location: 8p23.3.
Variant type: single nucleotide variant.
Coding change: c.648C>T on transcript NM_018941.4 (MANE Select); coding-DNA position 648, C replaced by T.
Protein change: p.Phe216=; no amino-acid change (phenylalanine 216 retained).
Molecular consequence: synonymous variant.
Genome position (GRCh38, 1-based): chr8:1,780,354, C>T. VCF-style: chr8-1780354-C-T. GRCh37 (hg19) VCF-style: chr8-1728520-C-T.
Identifiers: ClinVar variation 282074 (VCV000282074.19), dbSNP rs564074916, ClinGen allele CA4599328.
Genomic context (GRCh38, chr8:1,780,354, plus strand): 5'-GATGATTCACATGTTTCACTGCCGCATGGTTCTAACCTACCACATGTGGTGGGTGTGTTT[C>T]TGGCACTGGGACGGCCTGGTCAGCAGCCTGTATCTGCCTCATTTGACACTGTTCCTTGTC-3'
Protein context (NP_061764.2, residues 206-226): VLTYHMWWVC[Phe216=]WHWDGLVSSL